The following is an entry in ClinVar:

ClinVar aggregate classification (germline): Benign. Review status: criteria provided, multiple submitters, no conflicts (2 of 4 stars). 4 submissions from 4 submitters: Benign (3). 1 of the submissions does not count toward it. Last evaluated 2019-12-31.

Conditions:
CHEK1-related disorder. Also called: CHEK1-related condition.

Allele frequency attached by ClinVar (database versions not stated): gnomAD exomes 0.00105 and 0.00317; ExAC 0.00394; gnomAD 0.01236 and 0.01316; 1000 Genomes Project 30x 0.01327; TOPMed 0.01380; 1000 Genomes Project 0.01398; ESP Exome Variant Server 0.01579.
gnomAD v4.1: 3,483 of 1,592,816 alleles (0.22%); highest among the groups gnomAD compares: African/African-American, 4%; 66 homozygotes.

Submissions (4):

Labcorp Genetics (formerly Invitae), Labcorp
Classification: Benign. Last evaluated: 2019-12-31. Review status: criteria provided, single submitter. Criteria: Invitae Variant Classification Sherloc (09022015). Collection method: clinical testing. Allele origin: germline.

Women's Health and Genetics/Laboratory Corporation of America, LabCorp
Classification: Benign. Last evaluated: 2016-03-03. Review status: criteria provided, single submitter. Criteria: LabCorp Variant Classification Summary - May 2015. Collection method: clinical testing. Allele origin: germline.
Comment: Variant summary: c.1260A>G affects a non-conserved nucleotide, resulting in a synonymous change. 5/5 programs in Alamut predict that this variant does not affect normal splicing. ESEfinder predicts gain of binding motifs for RNA splicing enhancers. This variant was found in 477/121080 control chromosomes at a frequency of 0.0039395, predominalty observed in African subpopulation in ExAC with MAF of 4.4% with 7 homozygotes. This frequency significantly exceeds the maximal expected frequency of a pathogenic allele (0.0003125), suggesting this variant is benign. This variant has not been, to our knowledge, reported in affected individuals via publications/ clinical laboratories, or databases; nor evaluated for functional impact by in vivo/vitro studies. Taken together, this variant was classified as Benign.

Breakthrough Genomics
Classification: Benign. Review status: criteria provided, single submitter. Criteria: ACMG Guidelines, 2015. Collection method: not provided. Allele origin: germline. Inheritance: Unknown mechanism. Affected: yes.

PreventionGenetics, part of Exact Sciences
Classification: Benign for CHEK1-related condition. Last evaluated: 2019-11-11. Review status: no assertion criteria provided. Collection method: clinical testing. Allele origin: germline. Not counted in ClinVar's aggregate classification.
Comment: This variant is classified as benign based on ACMG/AMP sequence variant interpretation guidelines (Richards et al. 2015 PMID: 25741868, with internal and published modifications).

NM_001114122.3(CHEK1):c.1260A>G (p.Arg420=)

Gene: CHEK1 (checkpoint kinase 1; plus strand). Cytogenetic location: 11q24.2.
Variant type: single nucleotide variant.
Coding change: c.1260A>G on transcript NM_001114122.3 (MANE Select); coding-DNA position 1260, A replaced by G.
Protein change: p.Arg420=; no amino-acid change (arginine 420 retained).
Molecular consequence: synonymous variant. On other transcripts: non-coding transcript variant (2), intron variant (1).
Genome position (GRCh38, 1-based): chr11:125,653,772, A>G. VCF-style: chr11-125653772-A-G. GRCh37 (hg19) VCF-style: chr11-125523667-A-G.
Other names: c.1260A>G, p.Arg420= (NM_001114121.2, NM_001274.5); c.957A>G, p.Arg319= (NM_001330427.2); c.978A>G, p.Arg326= (NM_001330428.1); c.1234-1453A>G (NM_001244846.1); c.1308A>G (NM_001330427.1).
Identifiers: ClinVar variation 496138 (VCV000496138.8), dbSNP rs141332865, ClinGen allele CA6349642.